The following is an entry in ClinVar:

NM_004706.4(ARHGEF1):c.1070T>G (p.Leu357Arg)

Gene: ARHGEF1 (Rho guanine nucleotide exchange factor 1; plus strand). Cytogenetic location: 19q13.2.
Variant type: single nucleotide variant.
Coding change: c.1070T>G on transcript NM_004706.4 (MANE Select); coding-DNA position 1070, T replaced by G.
Protein change: p.Leu357Arg; replaces leucine 357 with arginine.
Molecular consequence: missense variant.
Genome position (GRCh38, 1-based): chr19:41,896,431, T>G. VCF-style: chr19-41896431-T-G. GRCh37 (hg19) VCF-style: chr19-42400504-T-G.
Other names: c.971T>G, p.Leu324Arg (NM_198977.2); c.1115T>G, p.Leu372Arg (NM_199002.2); c.1115T>G (NM_199002.1); short protein forms L324R, L357R, L372R.
Identifiers: ClinVar variation 1004507 (VCV001004507.10), dbSNP rs138912380, ClinGen allele CA9466181.

ClinVar aggregate classification (germline): Uncertain significance. Review status: criteria provided, multiple submitters, no conflicts (2 of 4 stars). 4 submissions from 4 submitters: Uncertain significance (4). Last evaluated 2026-01-23.

Allele frequency attached by ClinVar (database versions not stated): 1000 Genomes Project 30x 0.00031; 1000 Genomes Project 0.00040; gnomAD 0.00048; ESP Exome Variant Server 0.00054; TOPMed 0.00061.

Submissions (4):

Labcorp Genetics (formerly Invitae), Labcorp
Classification: Uncertain significance. Last evaluated: 2026-01-23. Review status: criteria provided, single submitter. Criteria: Invitae Variant Classification Sherloc (09022015). Collection method: clinical testing. Allele origin: germline.
Comment: This sequence change replaces leucine, which is neutral and non-polar, with arginine, which is basic and polar, at codon 372 of the ARHGEF1 protein (p.Leu372Arg). This variant is present in population databases (rs138912380, gnomAD 0.06%), and has an allele count higher than expected for a pathogenic variant. This variant has not been reported in the literature in individuals affected with ARHGEF1-related conditions. ClinVar contains an entry for this variant (Variation ID: 1004507). An algorithm developed to predict the effect of missense changes on protein structure and function (PolyPhen-2) suggests that this variant is likely to be disruptive. In summary, the available evidence is currently insufficient to determine the role of this variant in disease. Therefore, it has been classified as a Variant of Uncertain Significance.

Women's Health and Genetics/Laboratory Corporation of America, LabCorp
Classification: Uncertain significance. Last evaluated: 2026-01-22. Review status: criteria provided, single submitter. Criteria: LabCorp Variant Classification Summary - May 2015. Collection method: clinical testing. Allele origin: germline.

Blueprint Genetics
Classification: Uncertain significance. Last evaluated: 2024-11-04. Review status: criteria provided, single submitter. Criteria: ACMG Guidelines, 2015. Collection method: clinical testing. Allele origin: germline.

Ambry Genetics
Classification: Uncertain significance. Last evaluated: 2024-10-11. Review status: criteria provided, single submitter. Criteria: Ambry Variant Classification Scheme 2023. Collection method: clinical testing. Allele origin: germline.